The following is an entry in ClinVar:

NM_006736.6(DNAJB2):c.190A>G (p.Ile64Val)

Gene: DNAJB2 (DnaJ heat shock protein family (Hsp40) member B2; plus strand). Cytogenetic location: 2q35.
Variant type: single nucleotide variant.
Coding change: c.190A>G on transcript NM_006736.6 (MANE Select); coding-DNA position 190, A replaced by G.
Protein change: p.Ile64Val; replaces isoleucine 64 with valine.
Molecular consequence: missense variant.
Genome position (GRCh38, 1-based): chr2:219,281,732, A>G. VCF-style: chr2-219281732-A-G. GRCh37 (hg19) VCF-style: chr2-220146454-A-G.
Other names: c.190A>G, p.Ile64Val (NM_001039550.2); short protein forms I64V.
Identifiers: ClinVar variation 661304 (VCV000661304.9), dbSNP rs1165402332, ClinGen allele CA350647691.

ClinVar aggregate classification (germline): Uncertain significance (1 of 4 stars; one submission).

Conditions:
Neuronopathy, distal hereditary motor, autosomal recessive 5. Also called: Spinal muscular atrophy, distal, autosomal recessive, 5; Young adult-onset distal hereditary motor neuropathy; NEUROPATHY, DISTAL HEREDITARY MOTOR, AUTOSOMAL RECESSIVE 5. Identifiers: Orphanet 314485, Orphanet 443950, MedGen C4749918, MONDO:0013947, OMIM 614881.

Allele frequency attached by ClinVar (database versions not stated): gnomAD 0.00001; TOPMed 0.00001.
gnomAD v4.1: 3 of 1,613,786 alleles (0.00019%); highest among the groups gnomAD compares: African/African-American, 0.0027%; no homozygotes.

Submission:

Labcorp Genetics (formerly Invitae), Labcorp
Classification: Uncertain significance for Neuronopathy, distal hereditary motor, autosomal recessive 5. Last evaluated: 2018-11-28. Review status: criteria provided, single submitter. Criteria: Invitae Variant Classification Sherloc (09022015). Collection method: clinical testing. Allele origin: germline.
Comment: In summary, the available evidence is currently insufficient to determine the role of this variant in disease. Therefore, it has been classified as a Variant of Uncertain Significance. Algorithms developed to predict the effect of missense changes on protein structure and function output the following: SIFT: "Tolerated"; PolyPhen-2: "Benign"; Align-GVGD: "Class C0". The valine amino acid residue is found in multiple mammalian species, suggesting that this missense change does not adversely affect protein function. These predictions have not been confirmed by published functional studies and their clinical significance is uncertain. This variant has not been reported in the literature in individuals with DNAJB2-related conditions. This variant is not present in population databases (ExAC no frequency). This sequence change replaces isoleucine with valine at codon 64 of the DNAJB2 protein (p.Ile64Val). The isoleucine residue is moderately conserved and there is a small physicochemical difference between isoleucine and valine.